The following is an entry in ClinVar:

ClinVar aggregate classification (germline): Uncertain significance. Review status: criteria provided, multiple submitters, no conflicts (2 of 4 stars). 3 submissions from 3 submitters: Uncertain significance (3). Last evaluated 2025-10-06.

Conditions:
Renal tubular dysgenesis of genetic origin. Also called: PRIMITIVE RENAL TUBULE SYNDROME. Identifiers: Orphanet 97369, MedGen C5681536, MONDO:0009970, OMIM 267430.
Familial juvenile hyperuricemic nephropathy type 2 (ADTKD4). Also called: Autosomal Dominant Tubulointerstitial Kidney Disease – REN; EARLY-ONSET HYPERURICEMIA, ANEMIA, AND PROGRESSIVE KIDNEY FAILURE. Identifiers: Orphanet 217330, MedGen C2751310, MONDO:0013128, OMIM 613092.
Inborn genetic diseases. Identifiers: MedGen C0950123, MeSH D030342.

gnomAD v4.1: 43 of 1,610,716 alleles (0.0027%); highest among the groups gnomAD compares: Admixed American, 0.028%; no homozygotes.

Submissions (3):

Labcorp Genetics (formerly Invitae), Labcorp
Classification: Uncertain significance. Last evaluated: 2025-10-06. Review status: criteria provided, single submitter. Criteria: Invitae Variant Classification Sherloc (09022015). Collection method: clinical testing. Allele origin: germline.
Comment: This sequence change replaces threonine, which is neutral and polar, with asparagine, which is neutral and polar, at codon 164 of the REN protein (p.Thr164Asn). This variant is present in population databases (rs780104854, gnomAD 0.02%). This variant has not been reported in the literature in individuals affected with REN-related conditions. ClinVar contains an entry for this variant (Variation ID: 3578064). An algorithm developed to predict the effect of missense changes on protein structure and function (PolyPhen-2) suggests that this variant is likely to be tolerated. In summary, the available evidence is currently insufficient to determine the role of this variant in disease. Therefore, it has been classified as a Variant of Uncertain Significance.

Ambry Genetics
Classification: Uncertain significance for Inborn genetic diseases. Last evaluated: 2025-06-24. Review status: criteria provided, single submitter. Criteria: Ambry Variant Classification Scheme 2023. Collection method: clinical testing. Allele origin: germline.

Fulgent Genetics
Classification: Uncertain significance for Renal tubular dysgenesis of genetic origin; Familial juvenile hyperuricemic nephropathy type 2. Last evaluated: 2024-02-28. Review status: criteria provided, single submitter. Criteria: ACMG Guidelines, 2015. Collection method: clinical testing. Allele origin: germline.

NM_000537.4(REN):c.491C>A (p.Thr164Asn)

Gene: REN (renin; minus strand). Cytogenetic location: 1q32.1.
Variant type: single nucleotide variant.
Coding change: c.491C>A on transcript NM_000537.4 (MANE Select); coding-DNA position 491, C replaced by A.
Protein change: p.Thr164Asn; replaces threonine 164 with asparagine.
Molecular consequence: missense variant.
Genome position (GRCh38, 1-based): chr1:204,160,561, G>T on the plus strand (C>A on the coding strand, the complement: REN is on the minus strand). VCF-style: chr1-204160561-G-T. GRCh37 (hg19) VCF-style: chr1-204129689-G-T.
Other names: c.491C>A (NM_000537.3); short protein forms T164N.
Identifiers: ClinVar variation 3578064 (VCV003578064.3).